The following is an entry in ClinVar:

NM_001374504.1(TMPRSS6):c.707G>C (p.Cys236Ser)

Gene: TMPRSS6 (transmembrane serine protease 6; minus strand). Cytogenetic location: 22q12.3.
Variant type: single nucleotide variant.
Coding change: c.707G>C on transcript NM_001374504.1 (MANE Select); coding-DNA position 707, G replaced by C.
Protein change: p.Cys236Ser; replaces cysteine 236 with serine.
Molecular consequence: missense variant.
Genome position (GRCh38, 1-based): chr22:37,089,707, C>G on the plus strand (G>C on the coding strand, the complement: TMPRSS6 is on the minus strand). VCF-style: chr22-37089707-C-G. GRCh37 (hg19) VCF-style: chr22-37485747-C-G.
Other names: c.707G>C, p.Cys236Ser (NM_001289000.2, NM_001289001.2, NM_153609.4); c.734G>C (NM_153609.3); short protein forms C236S.
Identifiers: ClinVar variation 2366567 (VCV002366567.5), dbSNP rs763489601, ClinGen allele CA10215932.

ClinVar aggregate classification (germline): Uncertain significance. Review status: criteria provided, multiple submitters, no conflicts (2 of 4 stars). 3 submissions from 3 submitters: Uncertain significance (3). Last evaluated 2025-10-06.

Conditions:
Inborn genetic diseases. Identifiers: MedGen C0950123, MeSH D030342.

Allele frequency attached by ClinVar (database versions not stated): ExAC 0.00001.
gnomAD v4.1: 37 of 1,611,768 alleles (0.0023%); highest among the groups gnomAD compares: African/African-American, 0.041%; no homozygotes.

Submissions (3):

Labcorp Genetics (formerly Invitae), Labcorp
Classification: Uncertain significance. Last evaluated: 2025-10-06. Review status: criteria provided, single submitter. Criteria: Invitae Variant Classification Sherloc (09022015). Collection method: clinical testing. Allele origin: germline.
Comment: This sequence change replaces cysteine, which is neutral and slightly polar, with serine, which is neutral and polar, at codon 245 of the TMPRSS6 protein (p.Cys245Ser). This variant is present in population databases (rs763489601, gnomAD 0.03%). This variant has not been reported in the literature in individuals affected with TMPRSS6-related conditions. ClinVar contains an entry for this variant (Variation ID: 2366567). Invitae Evidence Modeling of protein sequence and biophysical properties (such as structural, functional, and spatial information, amino acid conservation, physicochemical variation, residue mobility, and thermodynamic stability) has been performed for this missense variant. However, the output from this modeling did not meet the statistical confidence thresholds required to predict the impact of this variant on TMPRSS6 protein function. In summary, the available evidence is currently insufficient to determine the role of this variant in disease. Therefore, it has been classified as a Variant of Uncertain Significance.

GeneDx
Classification: Uncertain significance. Last evaluated: 2025-06-11. Review status: criteria provided, single submitter. Criteria: GeneDx Variant Classification Process June 2021. Collection method: clinical testing. Allele origin: germline.
Comment: In silico analysis supports that this missense variant has a deleterious effect on protein structure/function; Has not been previously published as pathogenic or benign to our knowledge

Ambry Genetics
Classification: Uncertain significance for Inborn genetic diseases. Last evaluated: 2021-08-04. Review status: criteria provided, single submitter. Criteria: Ambry Variant Classification Scheme 2023. Collection method: clinical testing. Allele origin: germline.